The following is an entry in ClinVar:

ClinVar aggregate classification (germline): Uncertain significance (1 of 4 stars; one submission).

Conditions:
Spermatogenic failure 18. Identifiers: MedGen C4539783, MONDO:0054615, OMIM 617576.
Ciliary dyskinesia, primary, 37 (CILD37). Also called: CILIARY DYSKINESIA, PRIMARY, 37, WITH OR WITHOUT SITUS INVERSUS. Identifiers: MedGen C4539798, MONDO:0033204, OMIM 617577.

Submission:

Labcorp Genetics (formerly Invitae), Labcorp
Classification: Uncertain significance for Ciliary dyskinesia, primary, 37; Spermatogenic failure 18. Last evaluated: 2019-04-13. Review status: criteria provided, single submitter. Criteria: Invitae Variant Classification Sherloc (09022015). Collection method: clinical testing. Allele origin: germline.
Comment: This sequence change replaces serine with glycine at codon 2011 of the DNAH1 protein (p.Ser2011Gly). The serine residue is highly conserved and there is a small physicochemical difference between serine and glycine. This variant is not present in population databases (ExAC no frequency). This variant has not been reported in the literature in individuals with DNAH1-related conditions. Algorithms developed to predict the effect of missense changes on protein structure and function (SIFT, PolyPhen-2, Align-GVGD) all suggest that this variant is likely to be tolerated, but these predictions have not been confirmed by published functional studies and their clinical significance is uncertain. In summary, the available evidence is currently insufficient to determine the role of this variant in disease. Therefore, it has been classified as a Variant of Uncertain Significance.

NM_015512.5(DNAH1):c.6031A>G (p.Ser2011Gly)

Gene: DNAH1 (dynein axonemal heavy chain 1; plus strand). Cytogenetic location: 3p21.1.
Variant type: single nucleotide variant.
Coding change: c.6031A>G on transcript NM_015512.5 (MANE Select); coding-DNA position 6031, A replaced by G.
Protein change: p.Ser2011Gly; replaces serine 2011 with glycine.
Molecular consequence: missense variant.
Genome position (GRCh38, 1-based): chr3:52,369,912, A>G. VCF-style: chr3-52369912-A-G. GRCh37 (hg19) VCF-style: chr3-52403928-A-G.
Other names: short protein forms S2011G.
Identifiers: ClinVar variation 842934 (VCV000842934.1), dbSNP rs1703253036, ClinGen allele CA353155297.